The following is an entry in ClinVar:

NM_183357.3(ADCY5):c.3755A>G (p.Tyr1252Cys)

Gene: ADCY5 (adenylate cyclase 5; minus strand). Cytogenetic location: 3q21.1.
Variant type: single nucleotide variant.
Coding change: c.3755A>G on transcript NM_183357.3 (MANE Select); coding-DNA position 3755, A replaced by G.
Protein change: p.Tyr1252Cys; replaces tyrosine 1252 with cysteine.
Molecular consequence: missense variant.
Genome position (GRCh38, 1-based): chr3:123,284,639, T>C on the plus strand (A>G on the coding strand, the complement: ADCY5 is on the minus strand). VCF-style: chr3-123284639-T-C. GRCh37 (hg19) VCF-style: chr3-123003486-T-C.
Other names: c.2705A>G, p.Tyr902Cys (NM_001199642.1); c.3830A>G, p.Tyr1277Cys (NM_001378259.1); short protein forms Y1277C, Y1252C, Y902C.
Identifiers: ClinVar variation 1413352 (VCV001413352.6), dbSNP rs1938609382, ClinGen allele CA354221837.

ClinVar aggregate classification (germline): Uncertain significance (1 of 4 stars; one submission).

Allele frequency attached by ClinVar (database versions not stated): gnomAD exomes below 0.00001.
gnomAD v4.1: 1 of 1,614,220 alleles (0.000062%); highest among the groups gnomAD compares: Non-Finnish European, 0.000085%; no homozygotes.

Submission:

Labcorp Genetics (formerly Invitae), Labcorp
Classification: Uncertain significance. Last evaluated: 2021-09-29. Review status: criteria provided, single submitter. Criteria: Invitae Variant Classification Sherloc (09022015). Collection method: clinical testing. Allele origin: germline.
Comment: This variant is not present in population databases (ExAC no frequency). This sequence change replaces tyrosine with cysteine at codon 1252 of the ADCY5 protein (p.Tyr1252Cys). The tyrosine residue is highly conserved and there is a large physicochemical difference between tyrosine and cysteine. In summary, the available evidence is currently insufficient to determine the role of this variant in disease. Therefore, it has been classified as a Variant of Uncertain Significance. Advanced modeling of protein sequence and biophysical properties (such as structural, functional, and spatial information, amino acid conservation, physicochemical variation, residue mobility, and thermodynamic stability) performed at Invitae indicates that this missense variant is expected to disrupt ADCY5 protein function. This variant has not been reported in the literature in individuals affected with ADCY5-related conditions.